The following is an entry in ClinVar:

NM_001278512.2(AP3B2):c.1255C>T (p.Arg419Cys)

Genes: AP3B2 (adaptor related protein complex 3 subunit beta 2; minus strand), CPEB1-AS1 (CPEB1 antisense RNA 1; plus strand). Cytogenetic location: 15q25.2.
Variant type: single nucleotide variant.
Coding change: c.1255C>T on transcript NM_001278512.2 (MANE Select); coding-DNA position 1255, C replaced by T.
Protein change: p.Arg419Cys; replaces arginine 419 with cysteine.
Molecular consequence: missense variant.
Genome position (GRCh38, 1-based): chr15:82,677,794, G>A on the plus strand (C>T on the coding strand, the complement: AP3B2 is on the minus strand). VCF-style: chr15-82677794-G-A. GRCh37 (hg19) VCF-style: chr15-83346546-G-A.
Other names: c.1159C>T, p.Arg387Cys (NM_001278511.2); c.1255C>T, p.Arg419Cys (NM_004644.5); c.1255C>T (NM_004644.3); short protein forms R419C, R387C.
Identifiers: ClinVar variation 1515697 (VCV001515697.7), dbSNP rs369703322, ClinGen allele CA7700260.

ClinVar aggregate classification (germline): Uncertain significance. Review status: criteria provided, multiple submitters, no conflicts (2 of 4 stars). 2 submissions from 2 submitters: Uncertain significance (2). Last evaluated 2025-12-16.

Conditions:
Inborn genetic diseases. Identifiers: MedGen C0950123, MeSH D030342.

Allele frequency attached by ClinVar (database versions not stated): gnomAD 0.00001; gnomAD exomes 0.00001; TOPMed 0.00002; ESP Exome Variant Server 0.00008.

Submissions (2):

Ambry Genetics
Classification: Uncertain significance for Inborn genetic diseases. Last evaluated: 2025-12-16. Review status: criteria provided, single submitter. Criteria: Ambry Variant Classification Scheme 2023. Collection method: clinical testing. Allele origin: germline.

Labcorp Genetics (formerly Invitae), Labcorp
Classification: Uncertain significance. Last evaluated: 2023-12-11. Review status: criteria provided, single submitter. Criteria: Invitae Variant Classification Sherloc (09022015). Collection method: clinical testing. Allele origin: germline.
Comment: This sequence change replaces arginine, which is basic and polar, with cysteine, which is neutral and slightly polar, at codon 419 of the AP3B2 protein (p.Arg419Cys). This variant is not present in population databases (gnomAD no frequency). This variant has not been reported in the literature in individuals affected with AP3B2-related conditions. ClinVar contains an entry for this variant (Variation ID: 1515697). An algorithm developed to predict the effect of missense changes on protein structure and function (PolyPhen-2) suggests that this variant is likely to be disruptive. In summary, the available evidence is currently insufficient to determine the role of this variant in disease. Therefore, it has been classified as a Variant of Uncertain Significance.